The following is an entry in ClinVar:

NM_000350.3(ABCA4):c.4312C>G (p.Pro1438Ala)

Gene: ABCA4 (ATP binding cassette subfamily A member 4; minus strand). Cytogenetic location: 1p22.1.
Variant type: single nucleotide variant.
Coding change: c.4312C>G on transcript NM_000350.3 (MANE Select); coding-DNA position 4312, C replaced by G.
Protein change: p.Pro1438Ala; replaces proline 1438 with alanine.
Molecular consequence: missense variant.
Genome position (GRCh38, 1-based): chr1:94,030,468, G>C on the plus strand (C>G on the coding strand, the complement: ABCA4 is on the minus strand). VCF-style: chr1-94030468-G-C. GRCh37 (hg19) VCF-style: chr1-94496024-G-C.
Other names: c.4090C>G, p.Pro1364Ala (NM_001425324.1); short protein forms P1438A, P1364A.
Identifiers: ClinVar variation 866870 (VCV000866870.8), dbSNP rs1046550021, ClinGen allele CA26854468.
Genomic context (GRCh38, chr1:94,030,468, plus strand): 5'-AGGGGCGCGTAGGCACTTACGGAAGCCACCCTTCCTTCAGGCAGCGGTTGCCAAAGCCTG[G>C]CTTATTCAGGAGGACGTCTGCAAGTACCGTGAACTGCTCACTGCCTGGTTCATCCATGCT-3'
Protein context (NP_000341.2, residues 1428-1448): TVLADVLLNK[Pro1438Ala]GFGNRCLKEG

ClinVar aggregate classification (germline): Pathogenic/Likely pathogenic. Review status: criteria provided, multiple submitters, no conflicts (2 of 4 stars). 2 submissions from 2 submitters: Pathogenic (1); Likely pathogenic (1). Last evaluated 2023-11-08.

Conditions:
ABCA4-related disorder. Also called: ABCA4-related condition; ABCA4-related disorders. Identifiers: MedGen CN239167.

Allele frequency attached by ClinVar (database versions not stated): gnomAD exomes below 0.00001 and 0.00001; gnomAD 0.00001; TOPMed 0.00001.
gnomAD v4.1: 5 of 1,614,094 alleles (0.00031%); highest among the groups gnomAD compares: Non-Finnish European, 0.00042%; no homozygotes.

Submissions (2):

Labcorp Genetics (formerly Invitae), Labcorp
Classification: Pathogenic. Last evaluated: 2023-11-08. Review status: criteria provided, single submitter. Criteria: Invitae Variant Classification Sherloc (09022015). Collection method: clinical testing. Allele origin: germline.
Comment: This sequence change replaces proline, which is neutral and non-polar, with alanine, which is neutral and non-polar, at codon 1438 of the ABCA4 protein (p.Pro1438Ala). This variant is present in population databases (no rsID available, gnomAD 0.0009%). This missense change has been observed in individual(s) with Stargardt disease (Invitae). In at least one individual the data is consistent with being in trans (on the opposite chromosome) from a pathogenic variant. ClinVar contains an entry for this variant (Variation ID: 866870). Advanced modeling of protein sequence and biophysical properties (such as structural, functional, and spatial information, amino acid conservation, physicochemical variation, residue mobility, and thermodynamic stability) performed at Invitae indicates that this missense variant is expected to disrupt ABCA4 protein function with a positive predictive value of 95%. This variant disrupts the p.Pro1438 amino acid residue in ABCA4. Other variant(s) that disrupt this residue have been determined to be pathogenic (PMID: 29925512, 32037395). This suggests that this residue is clinically significant, and that variants that disrupt this residue are likely to be disease-causing. For these reasons, this variant has been classified as Pathogenic.

Blueprint Genetics
Classification: Likely pathogenic for ABCA4-related disorders. Last evaluated: 2018-03-23. Review status: criteria provided, single submitter. Criteria: ACMG Guidelines, 2015. Collection method: clinical testing. Allele origin: germline. Affected: yes. Observed: 1 variant allele.

Literature cited by the submitters: PubMed 29925512 (cited by Labcorp Genetics (formerly Invitae), Labcorp); PubMed 32037395 (cited by Labcorp Genetics (formerly Invitae), Labcorp).